The following is an entry in ClinVar:

ClinVar aggregate classification (germline): Uncertain significance (1 of 4 stars; one submission).

Submission:

Dasa
Classification: Uncertain significance. Last evaluated: 2025-08-29. Review status: criteria provided, single submitter. Criteria: DASA Assertion Criteria. Collection method: clinical testing. Allele origin: germline.
Comment: NM_000435.3(NOTCH3):c.2255A>G (p.Asp752Gly) is a missense variant that results in the substitution of aspartic acid with glycine. This variant is absent from population databases. The currently available literature and clinical evidence are not sufficient to establish a definitive association between this variant and the reported condition. Therefore, this variant is classified as a variant of uncertain significance.

NM_000435.3(NOTCH3):c.2255A>G (p.Asp752Gly)

Gene: NOTCH3 (notch receptor 3; minus strand). Cytogenetic location: 19p13.12.
Variant type: single nucleotide variant.
Coding change: c.2255A>G on transcript NM_000435.3 (MANE Select); coding-DNA position 2255, A replaced by G.
Protein change: p.Asp752Gly; replaces aspartic acid 752 with glycine.
Molecular consequence: missense variant.
Genome position (GRCh38, 1-based): chr19:15,185,298, T>C on the plus strand (A>G on the coding strand, the complement: NOTCH3 is on the minus strand). VCF-style: chr19-15185298-T-C. GRCh37 (hg19) VCF-style: chr19-15296109-T-C.
Other names: short protein forms D752G.
Identifiers: ClinVar variation 4886098 (VCV004886098.2).